The following is an entry in ClinVar:

NM_007373.4(SHOC2):c.786G>A (p.Gln262=)

Gene: SHOC2 (SHOC2 leucine rich repeat scaffold protein; plus strand). Cytogenetic location: 10q25.2.
Variant type: single nucleotide variant.
Coding change: c.786G>A on transcript NM_007373.4 (MANE Select); coding-DNA position 786, G replaced by A.
Protein change: p.Gln262=; no amino-acid change (glutamine 262 retained).
Molecular consequence: synonymous variant. On other transcripts: non-coding transcript variant (1), intron variant (1).
Genome position (GRCh38, 1-based): chr10:110,985,710, G>A. VCF-style: chr10-110985710-G-A. GRCh37 (hg19) VCF-style: chr10-112745468-G-A.
Other names: c.786G>A, p.Gln262= (NM_001324336.2, NM_001324337.2); c.704-14705G>A (NM_001269039.3).
Identifiers: ClinVar variation 2915908 (VCV002915908.4), dbSNP rs754545927, ClinGen allele CA5689636.

ClinVar aggregate classification (germline): Likely benign. Review status: criteria provided, multiple submitters, no conflicts (2 of 4 stars). 2 submissions from 2 submitters: Likely benign (2). Last evaluated 2026-08-01.

Conditions:
RASopathy. Also called: Noonan spectrum disorder; rasopathies. Identifiers: Orphanet 536391, MedGen C5555857, MONDO:0021060.

Allele frequency attached by ClinVar (database versions not stated): ExAC 0.00001.
gnomAD v4.1: 6 of 1,612,894 alleles (0.00037%); highest among the groups gnomAD compares: Admixed American, 0.01%; no homozygotes.

Submissions (2):

CeGaT Center for Human Genetics Tuebingen
Classification: Likely benign. Last evaluated: 2026-08-01. Review status: criteria provided, single submitter. Criteria: CeGaT Center For Human Genetics Tuebingen Variant Classification Criteria Version 2. Collection method: clinical testing. Allele origin: germline. Affected: yes. Observed: 1 variant allele.
Comment: SHOC2: BP4, BP7

Labcorp Genetics (formerly Invitae), Labcorp
Classification: Likely benign for RASopathy. Last evaluated: 2022-10-19. Review status: criteria provided, single submitter. Criteria: Invitae Variant Classification Sherloc (09022015). Collection method: clinical testing. Allele origin: germline.